The following is an entry in ClinVar:

NM_183065.4(TMEM107):c.*774GT[1]

Gene: TMEM107 (transmembrane protein 107; minus strand). Cytogenetic location: 17p13.1.
Variant type: Microsatellite.
Coding change: c.*774GT[1] on transcript NM_183065.4 (MANE Select); one copy of the 2-base unit GT starting at c.*774; the reference has two copies in a row; one copy, 2 bases deleted.
Molecular consequence: 3 prime UTR variant. On other transcripts: non-coding transcript variant (1).
Genome position (GRCh38, 1-based): chr17:8,173,426-8,173,427, AC deleted on the plus strand (GT on the coding strand, the reverse complement: TMEM107 is on the minus strand); deleting any 2 consecutive bases within chr17:8,173,426-8,173,430 gives the same sequence; the position shown is the placement nearest the transcript's 3' end. VCF-style (leftmost placement, unchanged base first): chr17-8173425-AAC-A. GRCh37 (hg19) VCF-style: chr17-8076743-AAC-A.
Other names: c.*774GT[1] (NM_001351280.2, NM_032354.5, NM_001351278.2 and 1 more transcripts).
Identifiers: ClinVar variation 4978523 (VCV004978523.1).

ClinVar aggregate classification (germline): Benign (1 of 4 stars; one submission).

Conditions:
TMEM107-related disorder. Also called: TMEM107-related condition.

Submission:

PreventionGenetics, part of Exact Sciences
Classification: Benign for TMEM107-related condition. Last evaluated: 2024-12-02. Review status: criteria provided, single submitter. Criteria: ACMG Guidelines, 2015. Collection method: clinical testing. Allele origin: germline.
Comment: This variant is classified as benign based on ACMG/AMP sequence variant interpretation guidelines (Richards et al. 2015 PMID: 25741868, with internal and published modifications).